The following is an entry in ClinVar:

NM_017947.4(MOCOS):c.7G>C (p.Gly3Arg)

Gene: MOCOS (molybdenum cofactor sulfurase; plus strand). Cytogenetic location: 18q12.2.
Variant type: single nucleotide variant.
Coding change: c.7G>C on transcript NM_017947.4 (MANE Select); coding-DNA position 7, G replaced by C.
Protein change: p.Gly3Arg; replaces glycine 3 with arginine.
Molecular consequence: missense variant.
Genome position (GRCh38, 1-based): chr18:36,187,546, G>C. VCF-style: chr18-36187546-G-C. GRCh37 (hg19) VCF-style: chr18-33767509-G-C.
Other names: short protein forms G3R.
Identifiers: ClinVar variation 2082276 (VCV002082276.2), dbSNP rs576409195, ClinGen allele CA8940299.

ClinVar aggregate classification (germline): Uncertain significance. Review status: criteria provided, multiple submitters, no conflicts (2 of 4 stars). 2 submissions from 2 submitters: Uncertain significance (2). Last evaluated 2022-11-10.

Conditions:
Xanthinuria type II. Also called: Xanthine dehydrogenase and aldehyde oxidase combined deficiency of; XDH and AOX dual deficiency. Identifiers: Orphanet 3467, Orphanet 93602, MedGen C1863688, MONDO:0011346, OMIM 603592.

Allele frequency attached by ClinVar (database versions not stated): TOPMed 0.00003; 1000 Genomes Project 30x 0.00016; 1000 Genomes Project 0.00020; ExAC 0.00096.
gnomAD v4.1: 99 of 1,237,482 alleles (0.008%); highest among the groups gnomAD compares: South Asian, 0.024%; no homozygotes.

Submissions (2):

Ambry Genetics
Classification: Uncertain significance. Last evaluated: 2022-11-10. Review status: criteria provided, single submitter. Criteria: Ambry Variant Classification Scheme 2023. Collection method: clinical testing. Allele origin: germline.

Labcorp Genetics (formerly Invitae), Labcorp
Classification: Uncertain significance for Xanthinuria type II. Last evaluated: 2022-06-22. Review status: criteria provided, single submitter. Criteria: Invitae Variant Classification Sherloc (09022015). Collection method: clinical testing. Allele origin: germline.
Comment: This sequence change replaces glycine, which is neutral and non-polar, with arginine, which is basic and polar, at codon 3 of the MOCOS protein (p.Gly3Arg). This variant is present in population databases (rs576409195, gnomAD 0.2%). This variant has not been reported in the literature in individuals affected with MOCOS-related conditions. Algorithms developed to predict the effect of missense changes on protein structure and function are either unavailable or do not agree on the potential impact of this missense change (SIFT: "Tolerated"; PolyPhen-2: "Possibly Damaging"; Align-GVGD: "Class C0"). In summary, the available evidence is currently insufficient to determine the role of this variant in disease. Therefore, it has been classified as a Variant of Uncertain Significance.